The following is an entry in ClinVar:

NM_007294.4(BRCA1):c.923_924del (p.Ser308fs)

Gene: BRCA1 (BRCA1 DNA repair associated; minus strand). Cytogenetic location: 17q21.31.
Variant type: Deletion.
Coding change: c.923_924del on transcript NM_007294.4 (MANE Select); coding-DNA positions 923 to 924, 2 bases deleted (GC; older notation c.923_924delGC).
Protein change: p.Ser308fs; shifts the reading frame from serine 308.
Molecular consequence: frameshift variant. On other transcripts: intron variant (137).
Genome position (GRCh38, 1-based): chr17:43,094,607-43,094,608, GC deleted on the plus strand (GC on the coding strand, the reverse complement: BRCA1 is on the minus strand). VCF-style (leftmost placement, unchanged base first): chr17-43094606-TGC-T. GRCh37 (hg19) VCF-style: chr17-41246623-TGC-T.
Other names: 1042delGC; c.577+136_577+137del (NM_001408478.1, NM_001408514.1, NM_001408485.1 and 9 more transcripts); c.661+136_661+137del (NM_001408450.1, NM_001408434.1, NM_001408447.1 and 6 more transcripts); c.784+136_784+137del (NM_001408398.1, NM_001407992.1, NM_001408400.1 and 13 more transcripts); c.664+136_664+137del (NM_001408440.1, NM_001408428.1, NM_001408441.1 and 12 more transcripts); c.670+1238_670+1239del (NM_001408418.1, NM_001408423.1, NM_001408420.1 and 2 more transcripts); c.787+136_787+137del (NM_001407981.1, NM_007298.4, NM_001407978.1 and 19 more transcripts); c.643+136_643+137del (NM_001408462.1, NM_001408470.1, NM_001408464.1 and 3 more transcripts); and 42 more; short protein forms S261fs, S308fs, S140fs, S196fs, S197fs, S220fs, S266fs, S307fs.
Identifiers: ClinVar variation 266591 (VCV000266591.7), dbSNP rs886040331, ClinGen allele CA10589981.

ClinVar aggregate classification (germline): Pathogenic. Review status: reviewed by expert panel (3 of 4 stars). 2 submissions from 2 submitters: Pathogenic (1). 1 of the submissions does not count toward it. Last evaluated 2016-10-18.

Conditions:
Breast-ovarian cancer, familial, susceptibility to, 1 (BROVCA1). Also called: BRCA1 Hereditary Breast and Ovarian Cancer; OVARIAN CANCER, SUSCEPTIBILITY TO. Identifiers: Orphanet 145, MedGen C2676676, MONDO:0011450, OMIM 604370. Disease mechanism: loss of function.

Submissions (2):

Evidence-based Network for the Interpretation of Germline Mutant Alleles (ENIGMA)
Classification: Pathogenic for Breast-ovarian cancer, familial, susceptibility to, 1. Last evaluated: 2016-10-18. Review status: reviewed by expert panel. Criteria: ENIGMA BRCA1/2 Classification Criteria (2015). Collection method: curation. Allele origin: germline.
Comment: Variant allele predicted to encode a truncated non-functional protein.

Consortium of Investigators of Modifiers of BRCA1/2 (CIMBA), c/o University of Cambridge
Classification: Pathogenic for Breast-ovarian cancer, familial, susceptibility to, 1. Last evaluated: 2015-10-02. Review status: criteria provided, single submitter. Criteria: CIMBA Mutation Classification guidelines May 2016. Collection method: clinical testing. Allele origin: germline. Not counted in ClinVar's aggregate classification.